The following is an entry in ClinVar:

ClinVar aggregate classification (germline): Uncertain significance (1 of 4 stars; one submission).

Conditions:
Inborn genetic diseases. Identifiers: MedGen C0950123, MeSH D030342.

Submission:

Ambry Genetics
Classification: Uncertain significance for Inborn genetic diseases. Last evaluated: 2024-08-17. Review status: criteria provided, single submitter. Criteria: Ambry Variant Classification Scheme 2023. Collection method: clinical testing. Allele origin: germline.
Comment: The p.I593M variant (also known as c.1779C>G), located in coding exon 11 of the PIK3CA gene, results from a C to G substitution at nucleotide position 1779. The isoleucine at codon 593 is replaced by methionine, an amino acid with highly similar properties. This amino acid position is conserved. In addition, the in silico prediction for this alteration is inconclusive. Based on the available evidence, the clinical significance of this variant remains unclear.

NM_006218.4(PIK3CA):c.1779C>G (p.Ile593Met)

Gene: PIK3CA (phosphatidylinositol-4,5-bisphosphate 3-kinase catalytic subunit alpha; plus strand). Cytogenetic location: 3q26.32.
Variant type: single nucleotide variant.
Coding change: c.1779C>G on transcript NM_006218.4 (MANE Select); coding-DNA position 1779, C replaced by G.
Protein change: p.Ile593Met; replaces isoleucine 593 with methionine.
Molecular consequence: missense variant.
Genome position (GRCh38, 1-based): chr3:179,219,603, C>G. VCF-style: chr3-179219603-C-G. GRCh37 (hg19) VCF-style: chr3-178937391-C-G.
Other names: short protein forms I593M.
Identifiers: ClinVar variation 3418519 (VCV003418519.1).
Genomic context (GRCh38, chr3:179,219,603, plus strand): 5'-TATGATTTATTGTCTTTCTCATACACAGATGTATTGCTTGGTAAAAGATTGGCCTCCAAT[C>G]AAACCTGAACAGGCTATGGAACTTCTGGACTGTAATTACCCAGATCCTATGGTTCGAGGT-3'
Protein context (NP_006209.2, residues 583-603): MYCLVKDWPP[Ile593Met]KPEQAMELLD